The following is an entry in ClinVar:

NM_024580.6(EFL1):c.2642C>T (p.Pro881Leu)

Gene: EFL1 (elongation factor like GTPase 1; minus strand). Cytogenetic location: 15q25.2.
Variant type: single nucleotide variant.
Coding change: c.2642C>T on transcript NM_024580.6 (MANE Select); coding-DNA position 2642, C replaced by T.
Protein change: p.Pro881Leu; replaces proline 881 with leucine.
Molecular consequence: missense variant. On other transcripts: non-coding transcript variant (1).
Genome position (GRCh38, 1-based): chr15:82,151,812, G>A on the plus strand (C>T on the coding strand, the complement: EFL1 is on the minus strand). VCF-style: chr15-82151812-G-A. GRCh37 (hg19) VCF-style: chr15-82444153-G-A.
Other names: c.2489C>T, p.Pro830Leu (NM_001040610.3); c.1853C>T, p.Pro618Leu (NM_001322844.2); c.2642C>T, p.Pro881Leu (NM_001322845.2); short protein forms P618L, P830L, P881L.
Identifiers: ClinVar variation 1913149 (VCV001913149.5), dbSNP rs774016364, ClinGen allele CA7697716.

ClinVar aggregate classification (germline): Uncertain significance (1 of 4 stars; one submission).

Allele frequency attached by ClinVar (database versions not stated): gnomAD exomes below 0.00001; TOPMed below 0.00001; gnomAD 0.00001; ExAC 0.00002.
gnomAD v4.1: 2 of 1,613,930 alleles (0.00012%); highest among the groups gnomAD compares: Non-Finnish European, 0.00017%; no homozygotes.

Submission:

Labcorp Genetics (formerly Invitae), Labcorp
Classification: Uncertain significance. Last evaluated: 2022-05-10. Review status: criteria provided, single submitter. Criteria: Invitae Variant Classification Sherloc (09022015). Collection method: clinical testing. Allele origin: germline.
Comment: This variant is present in population databases (rs774016364, gnomAD 0.0009%). This sequence change replaces proline, which is neutral and non-polar, with leucine, which is neutral and non-polar, at codon 881 of the EFL1 protein (p.Pro881Leu). In summary, the available evidence is currently insufficient to determine the role of this variant in disease. Therefore, it has been classified as a Variant of Uncertain Significance. Algorithms developed to predict the effect of missense changes on protein structure and function (SIFT, PolyPhen-2, Align-GVGD) all suggest that this variant is likely to be disruptive. This variant has not been reported in the literature in individuals affected with EFL1-related conditions.